The following is an entry in ClinVar:

ClinVar aggregate classification (germline): Uncertain significance. Review status: criteria provided, multiple submitters, no conflicts (2 of 4 stars). 2 submissions from 2 submitters: Uncertain significance (2). Last evaluated 2026-08-20.

Conditions:
Hereditary cancer-predisposing syndrome. Also called: Hereditary Cancer Syndrome; Neoplastic Syndromes, Hereditary; Hereditary neoplastic syndrome; Tumor predisposition. Identifiers: Orphanet 140162, MedGen C0027672, MeSH D009386, MONDO:0015356.
Retinoblastoma (RB1). Also called: RETINOBLASTOMA, SOMATIC. Identifiers: Orphanet 790, MedGen C0035335, MeSH D012175, MONDO:0008380, OMIM 180200, HP:0009919. Disease mechanism: loss of function. Inheritance: Both sporadic and heritable forms are tested..

Submissions (2):

Ambry Genetics
Classification: Uncertain significance for Hereditary cancer-predisposing syndrome. Last evaluated: 2026-08-20. Review status: criteria provided, single submitter. Criteria: Ambry Variant Classification Scheme 2023. Collection method: clinical testing. Allele origin: germline.
Comment: The p.R259W variant (also known as c.775A>T), located in coding exon 8 of the RB1 gene, results from an A to T substitution at nucleotide position 775. The arginine at codon 259 is replaced by tryptophan, an amino acid with dissimilar properties. This amino acid position is highly conserved in available vertebrate species. In addition, this alteration is predicted to be deleterious by in silico analysis. Based on the available evidence, the clinical significance of this variant remains unclear.

Labcorp Genetics (formerly Invitae), Labcorp
Classification: Uncertain significance for Retinoblastoma. Last evaluated: 2021-10-27. Review status: criteria provided, single submitter. Criteria: Invitae Variant Classification Sherloc (09022015). Collection method: clinical testing. Allele origin: germline.
Comment: This variant has not been reported in the literature in individuals affected with RB1-related conditions. This variant is not present in population databases (gnomAD no frequency). This sequence change replaces arginine, a(n) basic and polar amino acid, with tryptophan, a(n) neutral and slightly polar amino acid, at codon 259 of the RB1 protein (p.Arg259Trp). Algorithms developed to predict the effect of missense changes on protein structure and function (SIFT, PolyPhen-2, Align-GVGD) all suggest that this variant is likely to be disruptive. In summary, the available evidence is currently insufficient to determine the role of this variant in disease. Therefore, it has been classified as a Variant of Uncertain Significance.

NM_000321.3(RB1):c.775A>T (p.Arg259Trp)

Gene: RB1 (RB transcriptional corepressor 1; plus strand). Cytogenetic location: 13q14.2.
Variant type: single nucleotide variant.
Coding change: c.775A>T on transcript NM_000321.3 (MANE Select); coding-DNA position 775, A replaced by T.
Protein change: p.Arg259Trp; replaces arginine 259 with tryptophan.
Molecular consequence: missense variant.
Genome position (GRCh38, 1-based): chr13:48,362,871, A>T. VCF-style: chr13-48362871-A-T. GRCh37 (hg19) VCF-style: chr13-48937007-A-T.
Other names: c.775A>T (NM_000321.2); short protein forms R259W.
Identifiers: ClinVar variation 1389464 (VCV001389464.8), dbSNP rs1299654789, ClinGen allele CA388159397.